The following is an entry in ClinVar:

NM_177438.3(DICER1):c.2487T>G (p.Ile829Met)

Gene: DICER1 (dicer 1, ribonuclease III; minus strand). Cytogenetic location: 14q32.13.
Variant type: single nucleotide variant.
Coding change: c.2487T>G on transcript NM_177438.3 (MANE Select); coding-DNA position 2487, T replaced by G.
Protein change: p.Ile829Met; replaces isoleucine 829 with methionine.
Molecular consequence: missense variant. On other transcripts: non-coding transcript variant (6).
Genome position (GRCh38, 1-based): chr14:95,108,043, A>C on the plus strand (T>G on the coding strand, the complement: DICER1 is on the minus strand). VCF-style: chr14-95108043-A-C. GRCh37 (hg19) VCF-style: chr14-95574380-A-C.
Other names: c.2487T>G, p.Ile829Met (NM_001195573.1, NM_001271282.3, NM_001291628.2 and 13 more transcripts); c.2205T>G, p.Ile735Met (NM_001395686.1); c.2082T>G, p.Ile694Met (NM_001395687.1, NM_001395688.1, NM_001395689.1 and 2 more transcripts); c.1920T>G, p.Ile640Met (NM_001395691.1); c.804T>G, p.Ile268Met (NM_001395697.1); short protein forms I640M, I735M, I268M, I694M, I829M.
Identifiers: ClinVar variation 1792009 (VCV001792009.2), dbSNP rs2140026005, ClinGen allele CA390881926.

ClinVar aggregate classification (germline): Uncertain significance (1 of 4 stars; one submission).

Conditions:
Hereditary cancer-predisposing syndrome. Also called: Hereditary Cancer Syndrome; Hereditary neoplastic syndrome; Tumor predisposition; Neoplastic Syndromes, Hereditary. Identifiers: Orphanet 140162, MedGen C0027672, MeSH D009386, MONDO:0015356.

Allele frequency attached by ClinVar (database versions not stated): gnomAD exomes below 0.00001.
gnomAD v4.1: 1 of 1,614,048 alleles (0.000062%); highest among the groups gnomAD compares: Non-Finnish European, 0.000085%; no homozygotes.

Submission:

Ambry Genetics
Classification: Uncertain significance for Hereditary cancer-predisposing syndrome. Last evaluated: 2020-12-10. Review status: criteria provided, single submitter. Criteria: Ambry Variant Classification Scheme 2023. Collection method: clinical testing. Allele origin: germline.
Comment: The p.I829M variant (also known as c.2487T>G), located in coding exon 15 of the DICER1 gene, results from a T to G substitution at nucleotide position 2487. The isoleucine at codon 829 is replaced by methionine, an amino acid with highly similar properties. This amino acid position is highly conserved in available vertebrate species. In addition, the in silico prediction for this alteration is inconclusive. Since supporting evidence is limited at this time, the clinical significance of this alteration remains unclear.